The following is an entry in ClinVar:

NM_001048174.2(MUTYH):c.910T>A (p.Cys304Ser)

Gene: MUTYH (mutY DNA glycosylase; minus strand). Cytogenetic location: 1p34.1.
Variant type: single nucleotide variant.
Coding change: c.910T>A on transcript NM_001048174.2 (MANE Select); coding-DNA position 910, T replaced by A.
Protein change: p.Cys304Ser; replaces cysteine 304 with serine.
Molecular consequence: missense variant. On other transcripts: non-coding transcript variant (2).
Genome position (GRCh38, 1-based): chr1:45,332,026, A>T on the plus strand (T>A on the coding strand, the complement: MUTYH is on the minus strand). VCF-style: chr1-45332026-A-T. GRCh37 (hg19) VCF-style: chr1-45797698-A-T.
Other names: c.565T>A, p.Cys189Ser (NM_001350651.2, NM_001350650.2, NM_001407082.1); c.943T>A, p.Cys315Ser (NM_001407069.1, NM_001407077.1, NM_001293191.2); c.910T>A, p.Cys304Ser (NM_001407070.1, NM_001407072.1, NM_001407073.1 and 6 more transcripts); c.913T>A, p.Cys305Ser (NM_001407071.1, NM_001407078.1, NM_001048172.2 and 1 more transcripts); c.826T>A, p.Cys276Ser (NM_001407075.1); c.871T>A, p.Cys291Ser (NM_001407079.1); c.994T>A, p.Cys332Ser (NM_001128425.2); c.955T>A, p.Cys319Ser (NM_001293190.2); and 5 more; short protein forms C290S, C311S, C318S, C332S, C189S, C276S, C304S, C305S.
Identifiers: ClinVar variation 2096288 (VCV002096288.4), dbSNP rs1445730316, ClinGen allele CA340134011.

ClinVar aggregate classification (germline): Uncertain significance (1 of 4 stars; one submission).

Conditions:
Familial adenomatous polyposis 2. Also called: MUTYH Polyposis; COLORECTAL ADENOMATOUS POLYPOSIS, AUTOSOMAL RECESSIVE; ADENOMAS, MULTIPLE COLORECTAL, AUTOSOMAL RECESSIVE; MUTYH-associated polyposis; MYH-associated polyposis; MUTYH-related attenuated familial adenomatous polyposis. Identifiers: Orphanet 220460, Orphanet 247798, MedGen C3272841, MONDO:0012041, OMIM 608456.

Allele frequency attached by ClinVar (database versions not stated): TOPMed below 0.00001.

Submission:

Labcorp Genetics (formerly Invitae), Labcorp
Classification: Uncertain significance for Familial adenomatous polyposis 2. Last evaluated: 2022-02-10. Review status: criteria provided, single submitter. Criteria: Invitae Variant Classification Sherloc (09022015). Collection method: clinical testing. Allele origin: germline.
Comment: In summary, the available evidence is currently insufficient to determine the role of this variant in disease. Therefore, it has been classified as a Variant of Uncertain Significance. Algorithms developed to predict the effect of missense changes on protein structure and function are either unavailable or do not agree on the potential impact of this missense change (SIFT: "Deleterious"; PolyPhen-2: "Probably Damaging"; Align-GVGD: "Class C0"). This variant has not been reported in the literature in individuals affected with MUTYH-related conditions. This variant is not present in population databases (gnomAD no frequency). This sequence change replaces cysteine, which is neutral and slightly polar, with serine, which is neutral and polar, at codon 332 of the MUTYH protein (p.Cys332Ser).